The following is an entry in ClinVar:

ClinVar aggregate classification (germline): Conflicting classifications of pathogenicity. Review status: criteria provided, conflicting classifications (1 of 4 stars). 3 submissions from 3 submitters: Likely pathogenic (2); Uncertain significance (1). Last evaluated 2025-11-18.

Conditions:
Usher syndrome type 1 (USH1). Also called: RETINITIS PIGMENTOSA AND CONGENITAL DEAFNESS. Identifiers: Orphanet 231169, Orphanet 886, MedGen C1568247, MONDO:0010168, OMIM 276900.

Allele frequency attached by ClinVar (database versions not stated): gnomAD 0.00001; TOPMed 0.00002.

Submissions (3):

GeneDx
Classification: Likely pathogenic. Last evaluated: 2025-11-18. Review status: criteria provided, single submitter. Criteria: GeneDx Variant Classification Process June 2021. Collection method: clinical testing. Allele origin: germline.
Comment: Not observed at significant frequency in large population cohorts (gnomAD); In silico analysis supports that this missense variant has a deleterious effect on protein structure/function; Has not been previously published as pathogenic or benign to our knowledge; This variant is associated with the following publications: (PMID: 28944237, 27743452)

Myriad Genetics, Inc.
Classification: Likely pathogenic for Usher syndrome type 1. Last evaluated: 2025-11-10. Review status: criteria provided, single submitter. Criteria: Myriad Autosomal Dominant, Autosomal Recessive and X-Linked Classification Criteria (2023). Collection method: clinical testing. Allele origin: unknown.
Comment: NM_000260.3(MYO7A):c.1904G>A(C635Y) is a missense variant classified as likely pathogenic in the context of MYO7A-related disorders. C635Y has been observed in a case with relevant disease (PMID: Fabra_2024_(Thesis)). Relevant functional assessments of this variant are not available in the literature. Internal structural analysis of the variant is supportive of pathogenicity. C635Y has not been observed in referenced population frequency databases. In summary, NM_000260.3(MYO7A):c.1904G>A(C635Y) is a missense variant that has internal structural support for pathogenicity and has been observed more frequently in cases with the relevant disease than in healthy populations. Please note: this variant was assessed in the context of healthy population screening.

Labcorp Genetics (formerly Invitae), Labcorp
Classification: Uncertain significance. Last evaluated: 2025-05-02. Review status: criteria provided, single submitter. Criteria: Invitae Variant Classification Sherloc (09022015). Collection method: clinical testing. Allele origin: germline.
Comment: This sequence change replaces cysteine, which is neutral and slightly polar, with tyrosine, which is neutral and polar, at codon 635 of the MYO7A protein (p.Cys635Tyr). This variant is present in population databases (no rsID available, gnomAD 0.01%). This variant has not been reported in the literature in individuals affected with MYO7A-related conditions. ClinVar contains an entry for this variant (Variation ID: 2662469). Invitae Evidence Modeling of protein sequence and biophysical properties (such as structural, functional, and spatial information, amino acid conservation, physicochemical variation, residue mobility, and thermodynamic stability) indicates that this missense variant is expected to disrupt MYO7A protein function with a positive predictive value of 95%. In summary, the available evidence is currently insufficient to determine the role of this variant in disease. Therefore, it has been classified as a Variant of Uncertain Significance.

NM_000260.4(MYO7A):c.1904G>A (p.Cys635Tyr)

Gene: MYO7A (myosin VIIA; plus strand). Cytogenetic location: 11q13.5.
Variant type: single nucleotide variant.
Coding change: c.1904G>A on transcript NM_000260.4 (MANE Select); coding-DNA position 1904, G replaced by A.
Protein change: p.Cys635Tyr; replaces cysteine 635 with tyrosine.
Molecular consequence: missense variant.
Genome position (GRCh38, 1-based): chr11:77,172,854, G>A. VCF-style: chr11-77172854-G-A. GRCh37 (hg19) VCF-style: chr11-76883900-G-A.
Other names: c.1904G>A, p.Cys635Tyr (NM_001127180.2); c.1871G>A, p.Cys624Tyr (NM_001369365.1); short protein forms C624Y, C635Y.
Identifiers: ClinVar variation 2662469 (VCV002662469.4), dbSNP rs1310744956, ClinGen allele CA381938561.
Genomic context (GRCh38, chr11:77,172,854, plus strand): 5'-AGCGGTCACTGGAGCTGCTGATGCGCACGCTGGGTGCCTGCCAGCCCTTCTTTGTGCGAT[G>A]CATCAAGCCCAATGAGTTCAAGAAGCCCATGGTGAGTGGCCCTGGCCTGGGGTTGGCGGG-3'
Protein context (NP_000251.3, residues 625-645): LGACQPFFVR[Cys635Tyr]IKPNEFKKPM